The following is an entry in ClinVar:

NM_000094.4(COL7A1):c.5989G>A (p.Gly1997Ser)

Gene: COL7A1 (collagen type VII alpha 1 chain; minus strand). Cytogenetic location: 3p21.31.
Variant type: single nucleotide variant.
Coding change: c.5989G>A on transcript NM_000094.4 (MANE Select); coding-DNA position 5989, G replaced by A.
Protein change: p.Gly1997Ser; replaces glycine 1997 with serine.
Molecular consequence: missense variant.
Genome position (GRCh38, 1-based): chr3:48,575,530, C>T on the plus strand (G>A on the coding strand, the complement: COL7A1 is on the minus strand). VCF-style: chr3-48575530-C-T. GRCh37 (hg19) VCF-style: chr3-48612963-C-T.
Other names: short protein forms G1997S.
Identifiers: ClinVar variation 2891706 (VCV002891706.3), dbSNP rs1206267242, ClinGen allele CA352664114.

ClinVar aggregate classification (germline): Uncertain significance (1 of 4 stars; one submission).

Allele frequency attached by ClinVar (database versions not stated): gnomAD 0.00001; gnomAD exomes 0.00001; TOPMed 0.00001.
gnomAD v4.1: 9 of 1,612,696 alleles (0.00056%); highest among the groups gnomAD compares: African/African-American, 0.004%; no homozygotes.

Submission:

Labcorp Genetics (formerly Invitae), Labcorp
Classification: Uncertain significance. Last evaluated: 2024-01-06. Review status: criteria provided, single submitter. Criteria: Invitae Variant Classification Sherloc (09022015). Collection method: clinical testing. Allele origin: germline.
Comment: This sequence change replaces glycine, which is neutral and non-polar, with serine, which is neutral and polar, at codon 1997 of the COL7A1 protein (p.Gly1997Ser). This variant is present in population databases (no rsID available, gnomAD 0.01%). This variant has not been reported in the literature in individuals affected with COL7A1-related conditions. Advanced modeling of protein sequence and biophysical properties (such as structural, functional, and spatial information, amino acid conservation, physicochemical variation, residue mobility, and thermodynamic stability) performed at Invitae indicates that this missense variant is expected to disrupt COL7A1 protein function with a positive predictive value of 95%. This variant disrupts the triple helix domain of COL7A1. Glycine residues within the Gly-Xaa-Yaa repeats of the triple helix domain are required for the structure and stability of fibrillar collagens (PMID: 7695699, 8218237, 19344236), and variants at these glycine residues in COL7A1 are more frequently observed in individuals with disease than in the general population (PMID: 22058051). However, the clinical significance of this observation remains uncertain since only a limited number of affected individuals have been described to date. In summary, the available evidence is currently insufficient to determine the role of this variant in disease. Therefore, it has been classified as a Variant of Uncertain Significance.

Literature cited by the submitters: PubMed 7695699; PubMed 8218237; PubMed 19344236; PubMed 22058051.